The following is an entry in ClinVar:

NM_033056.4(PCDH15):c.4733_4736del (p.Val1578fs)

Gene: PCDH15 (protocadherin related 15; minus strand). Cytogenetic location: 10q21.1.
Variant type: Microsatellite.
Coding change: c.4733_4736del on transcript NM_033056.4 (MANE Plus Clinical); coding-DNA positions 4733 to 4736, 4 bases deleted (TCAG; older notation c.4733_4736delTCAG).
Protein change: p.Val1578fs; shifts the reading frame from valine 1578.
Molecular consequence: frameshift variant. On other transcripts: intron variant (8).
Genome position (GRCh38, 1-based): chr10:53,822,990-53,822,993, CTGA deleted on the plus strand (TCAG on the coding strand, the reverse complement: PCDH15 is on the minus strand); deleting any 4 consecutive bases within chr10:53,822,990-53,823,003 gives the same sequence; the c. name uses the placement nearest the transcript's 3' end. VCF-style (leftmost placement, unchanged base first): chr10-53822989-GCTGA-G. GRCh37 (hg19) VCF-style: chr10-55582749-GCTGA-G.
Other names: c.4367+4392TCAG[2] (NM_001354420.2, NM_001354429.2); c.4368-2771TCAG[2] (NM_001384140.1); c.4373+2135TCAG[2] (NM_001142772.2, NM_001142770.3); c.4388+2135TCAG[2] (NM_001142771.2); c.4388+4392TCAG[2] (NM_001354411.2); c.4409+2135TCAG[2] (NM_001142769.3); c.4754_4757del, p.Val1585fs (NM_001142763.2); c.4739_4742del, p.Val1580fs (NM_001142764.2); and 6 more; short protein forms V1538fs, V1578fs, V1580fs, V1555fs, V1509fs, V1556fs, V1558fs, V1575fs.
Identifiers: ClinVar variation 1979459 (VCV001979459.4), dbSNP rs770063261, ClinGen allele CA5505201.

ClinVar aggregate classification (germline): Likely pathogenic (1 of 4 stars; one submission).

Submission:

Labcorp Genetics (formerly Invitae), Labcorp
Classification: Likely pathogenic. Last evaluated: 2024-04-15. Review status: criteria provided, single submitter. Criteria: Invitae Variant Classification Sherloc (09022015). Collection method: clinical testing. Allele origin: germline.
Comment: This sequence change creates a premature translational stop signal (p.Val1578Alafs*6) in the PCDH15 gene. While this is not anticipated to result in nonsense mediated decay, it is expected to disrupt the last 378 amino acid(s) of the PCDH15 protein. This variant is present in population databases (rs770063261, gnomAD 0.002%). This premature translational stop signal has been observed in individual(s) with Usher syndrome (PMID: 33089500). This variant disrupts a region of the PCDH15 protein in which other variant(s) (p.Met1646Val) have been observed in individuals with PCDH15-related conditions (PMID: 26969326). This suggests that this is a clinically significant region of the protein, and that variants that disrupt it are likely to be disease-causing. In summary, the currently available evidence indicates that the variant is pathogenic, but additional data are needed to prove that conclusively. Therefore, this variant has been classified as Likely Pathogenic.

Literature cited by the submitters: PubMed 33089500; PubMed 26969326.